The following is an entry in ClinVar:

ClinVar aggregate classification (germline): Uncertain significance (1 of 4 stars; one submission).

Conditions:
Infantile-onset X-linked spinal muscular atrophy. Also called: SPINAL MUSCULAR ATROPHY, X-LINKED LETHAL INFANTILE; AMC, DISTAL, X-LINKED; ARTHROGRYPOSIS, X-LINKED, TYPE I; Spinal muscular atrophy, X-linked 2; Spinal Muscular Atrophy, X-Linked Infantile. Identifiers: Orphanet 1145, MedGen C1844934, MONDO:0010532, OMIM 301830.

Allele frequency attached by ClinVar (database versions not stated): TOPMed below 0.00001; gnomAD 0.00002.

Submission:

Labcorp Genetics (formerly Invitae), Labcorp
Classification: Uncertain significance for Infantile-onset X-linked spinal muscular atrophy. Last evaluated: 2022-12-06. Review status: criteria provided, single submitter. Criteria: Invitae Variant Classification Sherloc (09022015). Collection method: clinical testing. Allele origin: germline.
Comment: This variant is present in population databases (no rsID available, gnomAD 0.02%). In summary, the available evidence is currently insufficient to determine the role of this variant in disease. Therefore, it has been classified as a Variant of Uncertain Significance. Algorithms developed to predict the effect of missense changes on protein structure and function (SIFT, PolyPhen-2, Align-GVGD) all suggest that this variant is likely to be tolerated. ClinVar contains an entry for this variant (Variation ID: 660014). This variant has not been reported in the literature in individuals affected with UBA1-related conditions. This sequence change replaces threonine, which is neutral and polar, with proline, which is neutral and non-polar, at codon 440 of the UBA1 protein (p.Thr440Pro).

NM_003334.4(UBA1):c.1318A>C (p.Thr440Pro)

Gene: UBA1 (ubiquitin like modifier activating enzyme 1; plus strand). Cytogenetic location: Xp11.3.
Variant type: single nucleotide variant.
Coding change: c.1318A>C on transcript NM_003334.4 (MANE Select); coding-DNA position 1318, A replaced by C.
Protein change: p.Thr440Pro; replaces threonine 440 with proline.
Molecular consequence: missense variant.
Genome position (GRCh38, 1-based): chrX:47,203,027, A>C. VCF-style: chrX-47203027-A-C. GRCh37 (hg19) VCF-style: chrX-47062426-A-C.
Other names: c.1318A>C, p.Thr440Pro (NM_153280.3); short protein forms T440P.
Identifiers: ClinVar variation 660014 (VCV000660014.10), dbSNP rs1028156593, ClinGen allele CA329035326.